The following is an entry in ClinVar:

ClinVar aggregate classification (germline): Uncertain significance (1 of 4 stars; one submission).

gnomAD v4.1: 2 of 1,565,584 alleles (0.00013%); highest among the groups gnomAD compares: African/African-American, 0.0013%; no homozygotes.

Submission:

Labcorp Genetics (formerly Invitae), Labcorp
Classification: Uncertain significance. Last evaluated: 2024-02-24. Review status: criteria provided, single submitter. Criteria: Invitae Variant Classification Sherloc (09022015). Collection method: clinical testing. Allele origin: germline.
Comment: This sequence change replaces proline, which is neutral and non-polar, with arginine, which is basic and polar, at codon 16 of the OSTM1 protein (p.Pro16Arg). This variant is not present in population databases (gnomAD no frequency). This variant has not been reported in the literature in individuals affected with OSTM1-related conditions. ClinVar contains an entry for this variant (Variation ID: 1361098). Algorithms developed to predict the effect of missense changes on protein structure and function output the following: SIFT: "Not Available"; PolyPhen-2: "Benign"; Align-GVGD: "Not Available". The arginine amino acid residue is found in multiple mammalian species, which suggests that this missense change does not adversely affect protein function. In summary, the available evidence is currently insufficient to determine the role of this variant in disease. Therefore, it has been classified as a Variant of Uncertain Significance.

NM_014028.4(OSTM1):c.47C>G (p.Pro16Arg)

Genes: OSTM1 (osteoclastogenesis associated transmembrane protein 1; minus strand), LOC129996933 (ATAC-STARR-seq lymphoblastoid silent region 17446; plus strand). Cytogenetic location: 6q21.
Variant type: single nucleotide variant.
Coding change: c.47C>G on transcript NM_014028.4 (MANE Select); coding-DNA position 47, C replaced by G.
Protein change: p.Pro16Arg; replaces proline 16 with arginine.
Molecular consequence: missense variant.
Genome position (GRCh38, 1-based): chr6:108,074,605, G>C on the plus strand (C>G on the coding strand, the complement: OSTM1 is on the minus strand). VCF-style: chr6-108074605-G-C. GRCh37 (hg19) VCF-style: chr6-108395809-G-C.
Other names: short protein forms P16R.
Identifiers: ClinVar variation 1361098 (VCV001361098.5), dbSNP rs1772558308, ClinGen allele CA365331465.